The following is an entry in ClinVar:

ClinVar aggregate classification (germline): Likely benign. Review status: criteria provided, single submitter (1 of 4 stars). 2 submissions from 2 submitters: Likely benign (1). 1 of the submissions does not count toward it. Last evaluated 2026-01-26.

Conditions:
ADGRE2-related disorder. Also called: ADGRE2-related condition.

Allele frequency attached by ClinVar (database versions not stated): gnomAD exomes 0.00029; 1000 Genomes Project 30x 0.00031; ExAC 0.00032; 1000 Genomes Project 0.00040; TOPMed 0.00126; gnomAD 0.00127 and 0.00141; ESP Exome Variant Server 0.00161.
gnomAD v4.1: 354 of 1,613,868 alleles (0.022%); highest among the groups gnomAD compares: African/African-American, 0.44%; 3 homozygotes.

Submissions (2):

Labcorp Genetics (formerly Invitae), Labcorp
Classification: Likely benign. Last evaluated: 2026-01-26. Review status: criteria provided, single submitter. Criteria: Invitae Variant Classification Sherloc (09022015). Collection method: clinical testing. Allele origin: germline.

PreventionGenetics, part of Exact Sciences
Classification: Benign for ADGRE2-related condition. Last evaluated: 2019-06-10. Review status: no assertion criteria provided. Collection method: clinical testing. Allele origin: germline. Not counted in ClinVar's aggregate classification.
Comment: This variant is classified as benign based on ACMG/AMP sequence variant interpretation guidelines (Richards et al. 2015 PMID: 25741868, with internal and published modifications).

NM_013447.4(ADGRE2):c.1580A>C (p.Tyr527Ser)

Gene: ADGRE2 (adhesion G protein-coupled receptor E2; minus strand). Cytogenetic location: 19p13.12.
Variant type: single nucleotide variant.
Coding change: c.1580A>C on transcript NM_013447.4 (MANE Select); coding-DNA position 1580, A replaced by C.
Protein change: p.Tyr527Ser; replaces tyrosine 527 with serine.
Molecular consequence: missense variant. On other transcripts: intron variant (1).
Genome position (GRCh38, 1-based): chr19:14,754,964, T>G on the plus strand (A>C on the coding strand, the complement: ADGRE2 is on the minus strand). VCF-style: chr19-14754964-T-G. GRCh37 (hg19) VCF-style: chr19-14865776-T-G.
Other names: c.1416+690A>C (NM_001271052.1); short protein forms Y527S.
Identifiers: ClinVar variation 723713 (VCV000723713.10), dbSNP rs143149076, ClinGen allele CA9257679.